The following is an entry in ClinVar:

ClinVar aggregate classification (germline): Uncertain significance (1 of 4 stars; one submission).

gnomAD v4.1: 1 of 1,587,478 alleles (0.000063%); highest among the groups gnomAD compares: Non-Finnish European, 0.000087%; no homozygotes.

Submission:

GeneDx
Classification: Uncertain significance. Last evaluated: 2025-07-09. Review status: criteria provided, single submitter. Criteria: GeneDx Variant Classification Process June 2021. Collection method: clinical testing. Allele origin: germline. Affected: yes.
Comment: Not observed at significant frequency in large population cohorts (gnomAD); In silico analysis supports that this missense variant has a deleterious effect on protein structure/function; Has not been previously published as pathogenic or benign to our knowledge

NM_006421.5(ARFGEF1):c.5357C>G (p.Thr1786Ser)

Gene: ARFGEF1 (ARF guanine nucleotide exchange factor 1; minus strand). Cytogenetic location: 8q13.2.
Variant type: single nucleotide variant.
Coding change: c.5357C>G on transcript NM_006421.5 (MANE Select); coding-DNA position 5357, C replaced by G.
Protein change: p.Thr1786Ser; replaces threonine 1786 with serine.
Molecular consequence: missense variant. On other transcripts: non-coding transcript variant (1).
Genome position (GRCh38, 1-based): chr8:67,200,424, G>C on the plus strand (C>G on the coding strand, the complement: ARFGEF1 is on the minus strand). VCF-style: chr8-67200424-G-C. GRCh37 (hg19) VCF-style: chr8-68112659-G-C.
Other names: c.5357C>G, p.Thr1786Ser (NM_001413184.1, NM_001413187.1, NM_001413194.1); c.5339C>G, p.Thr1780Ser (NM_001413185.1, NM_001413186.1, NM_001413189.1); c.4757C>G, p.Thr1586Ser (NM_001413188.1, NM_001413197.1); c.5351C>G, p.Thr1784Ser (NM_001413190.1); c.5261C>G, p.Thr1754Ser (NM_001413191.1); c.5243C>G, p.Thr1748Ser (NM_001413192.1); c.4739C>G, p.Thr1580Ser (NM_001413193.1); c.3932C>G, p.Thr1311Ser (NM_001413196.1); short protein forms T1311S, T1580S, T1586S, T1748S, T1754S, T1780S, T1784S, T1786S.
Identifiers: ClinVar variation 4685207 (VCV004685207.1).
Genomic context (GRCh38, chr8:67,200,424, plus strand): 5'-ATGTGGGGCTGGATTCGAAGCCTCATACTTACCCTATTATCACTTATCTTTAGAACTTTA[G>C]TTAGAAACAAAAGCAGTAAGTTAGTCCAGGCTTCTCGATGACTTTCTGATGTTAGAGTGA-3'
Protein context (NP_006412.2, residues 1776-1796): AWTNLLLLFL[Thr1786Ser]KVLKISDNRF